The following is an entry in ClinVar:

NM_005765.3(ATP6AP2):c.106C>T (p.Pro36Ser)

Gene: ATP6AP2 (ATPase H+ transporting accessory protein 2; plus strand). Cytogenetic location: Xp11.4.
Variant type: single nucleotide variant.
Coding change: c.106C>T on transcript NM_005765.3 (MANE Select); coding-DNA position 106, C replaced by T.
Protein change: p.Pro36Ser; replaces proline 36 with serine.
Molecular consequence: missense variant.
Genome position (GRCh38, 1-based): chrX:40,589,054, C>T. VCF-style: chrX-40589054-C-T. GRCh37 (hg19) VCF-style: chrX-40448306-C-T.
Other names: short protein forms P36S.
Identifiers: ClinVar variation 1462415 (VCV001462415.8), dbSNP rs202105468, ClinGen allele CA10387159.
Genomic context (GRCh38, chrX:40,589,054, plus strand): 5'-GGGAACGAGTTTAGTATATTAAAATCACCAGGGTCTGTTGTTTTCCGAAATGGAAATTGG[C>T]CTATACCAGGAGAGCGGATCCCAGACGTGGCTGCATTGTCCATGGGCTTCTCTGTGAAAG-3'
Protein context (NP_005756.2, residues 26-46): GSVVFRNGNW[Pro36Ser]IPGERIPDVA

ClinVar aggregate classification (germline): Uncertain significance (1 of 4 stars; one submission).

Conditions:
Intellectual developmental disorder, X-linked, syndromic, Hedera type. Also called: Syndromic X-linked intellectual disability Hedera type. Identifiers: Orphanet 93952, MedGen C1845543, MONDO:0010319, OMIM 300423.

Allele frequency attached by ClinVar (database versions not stated): ExAC 0.00002; 1000 Genomes Project 0.00053; gnomAD exomes 0.00001 and below 0.00001; 1000 Genomes Project 30x 0.00042; gnomAD 0.00002.

Submission:

Labcorp Genetics (formerly Invitae), Labcorp
Classification: Uncertain significance for Intellectual developmental disorder, X-linked, syndromic, Hedera type. Last evaluated: 2023-08-17. Review status: criteria provided, single submitter. Criteria: Invitae Variant Classification Sherloc (09022015). Collection method: clinical testing. Allele origin: germline.
Comment: In summary, the available evidence is currently insufficient to determine the role of this variant in disease. Therefore, it has been classified as a Variant of Uncertain Significance. Advanced modeling of protein sequence and biophysical properties (such as structural, functional, and spatial information, amino acid conservation, physicochemical variation, residue mobility, and thermodynamic stability) performed at Invitae indicates that this missense variant is not expected to disrupt ATP6AP2 protein function. ClinVar contains an entry for this variant (Variation ID: 1462415). This variant has not been reported in the literature in individuals affected with ATP6AP2-related conditions. This variant is present in population databases (rs202105468, gnomAD 0.02%). This sequence change replaces proline, which is neutral and non-polar, with serine, which is neutral and polar, at codon 36 of the ATP6AP2 protein (p.Pro36Ser).